The following is an entry in ClinVar:

NM_004304.5(ALK):c.3598G>A (p.Ala1200Thr)

Gene: ALK (ALK receptor tyrosine kinase; minus strand). Cytogenetic location: 2p23.2.
Variant type: single nucleotide variant.
Coding change: c.3598G>A on transcript NM_004304.5 (MANE Select); coding-DNA position 3598, G replaced by A.
Protein change: p.Ala1200Thr; replaces alanine 1200 with threonine.
Molecular consequence: missense variant.
Genome position (GRCh38, 1-based): chr2:29,220,753, C>T on the plus strand (G>A on the coding strand, the complement: ALK is on the minus strand). VCF-style: chr2-29220753-C-T. GRCh37 (hg19) VCF-style: chr2-29443619-C-T.
Other names: c.394G>A, p.Ala132Thr (NM_001353765.2); short protein forms A1200T, A132T.
Identifiers: ClinVar variation 3223867 (VCV003223867.1), dbSNP rs2148166467, ClinGen allele CA346473036.
Genomic context (GRCh38, chr2:29,220,753, plus strand): 5'-GGTTCTCACTCACCGGGCGAGGGCGGGTCTCTCGGAGGAAGGACTTGAGGTCTCCCCCCG[C>T]CATGAGCTCCAGCAGGATGAACCGGGGCAGGGATTGCAGGCTCACCCCAATGCAGCGAAC-3'
Protein context (NP_004295.2, residues 1190-1210): LPRFILLELM[Ala1200Thr]GGDLKSFLRE

ClinVar aggregate classification (germline): Uncertain significance (1 of 4 stars; one submission).

Conditions:
Hereditary cancer-predisposing syndrome. Also called: Tumor predisposition; Hereditary neoplastic syndrome; Hereditary Cancer Syndrome; Neoplastic Syndromes, Hereditary. Identifiers: Orphanet 140162, MedGen C0027672, MeSH D009386, MONDO:0015356.

Submission:

Ambry Genetics
Classification: Uncertain significance for Hereditary cancer-predisposing syndrome. Last evaluated: 2024-01-06. Review status: criteria provided, single submitter. Criteria: Ambry Variant Classification Scheme 2023. Collection method: clinical testing. Allele origin: germline.
Comment: The p.A1200T variant (also known as c.3598G>A), located in coding exon 23 of the ALK gene, results from a G to A substitution at nucleotide position 3598. The alanine at codon 1200 is replaced by threonine, an amino acid with similar properties. This amino acid position is conserved. In addition, the in silico prediction for this alteration is inconclusive. Since supporting evidence is limited at this time, the clinical significance of this alteration remains unclear.